The following is an entry in ClinVar:

NM_001040108.2(MLH3):c.260C>G (p.Pro87Arg)

Gene: MLH3 (mutL homolog 3; minus strand). Cytogenetic location: 14q24.3.
Variant type: single nucleotide variant.
Coding change: c.260C>G on transcript NM_001040108.2 (MANE Select); coding-DNA position 260, C replaced by G.
Protein change: p.Pro87Arg; replaces proline 87 with arginine.
Molecular consequence: missense variant.
Genome position (GRCh38, 1-based): chr14:75,049,396, G>C on the plus strand (C>G on the coding strand, the complement: MLH3 is on the minus strand). VCF-style: chr14-75049396-G-C. GRCh37 (hg19) VCF-style: chr14-75516099-G-C.
Other names: c.260C>G, p.Pro87Arg (NM_014381.3); short protein forms P87R.
Identifiers: ClinVar variation 2844391 (VCV002844391.3), dbSNP rs749968114, ClinGen allele CA390451224.

ClinVar aggregate classification (germline): Uncertain significance (1 of 4 stars; one submission).

Conditions:
Colorectal cancer, hereditary nonpolyposis, type 7. Identifiers: Orphanet 144, MedGen C1858380, MONDO:0013725, OMIM 614385.

Submission:

Labcorp Genetics (formerly Invitae), Labcorp
Classification: Uncertain significance for Colorectal cancer, hereditary nonpolyposis, type 7. Last evaluated: 2023-03-09. Review status: criteria provided, single submitter. Criteria: Invitae Variant Classification Sherloc (09022015). Collection method: clinical testing. Allele origin: germline.
Comment: This sequence change replaces proline, which is neutral and non-polar, with arginine, which is basic and polar, at codon 87 of the MLH3 protein (p.Pro87Arg). This variant is not present in population databases (gnomAD no frequency). This variant has not been reported in the literature in individuals affected with MLH3-related conditions. An algorithm developed to predict the effect of missense changes on protein structure and function (PolyPhen-2) suggests that this variant is likely to be disruptive. In summary, the available evidence is currently insufficient to determine the role of this variant in disease. Therefore, it has been classified as a Variant of Uncertain Significance.